The following is an entry in ClinVar:

NM_031854.3(KRTAP4-12):c.222C>T (p.Thr74=)

Gene: KRTAP4-12 (keratin associated protein 4-12; minus strand). Cytogenetic location: 17q21.2.
Variant type: single nucleotide variant.
Coding change: c.222C>T on transcript NM_031854.3 (MANE Select); coding-DNA position 222, C replaced by T.
Protein change: p.Thr74=; no amino-acid change (threonine 74 retained).
Molecular consequence: synonymous variant.
Genome position (GRCh38, 1-based): chr17:41,123,901, G>A on the plus strand (C>T on the coding strand, the complement: KRTAP4-12 is on the minus strand). VCF-style: chr17-41123901-G-A. GRCh37 (hg19) VCF-style: chr17-39280153-G-A.
Identifiers: ClinVar variation 2647756 (VCV002647756.24), dbSNP rs79886662, ClinGen allele CA8553061.

ClinVar aggregate classification (germline): Likely benign (1 of 4 stars; one submission).

Allele frequency attached by ClinVar (database versions not stated): gnomAD exomes 0.00002.

Submission:

CeGaT Center for Human Genetics Tuebingen
Classification: Likely benign. Last evaluated: 2023-09-01. Review status: criteria provided, single submitter. Criteria: CeGaT Center For Human Genetics Tuebingen Variant Classification Criteria Version 2. Collection method: clinical testing. Allele origin: germline. Affected: yes. Observed: 2 variant alleles.
Comment: KRTAP4-12: BP4, BP7